The following is an entry in ClinVar:

NM_001394998.1(TANC2):c.506G>T (p.Gly169Val)

Gene: TANC2 (tetratricopeptide repeat, ankyrin repeat and coiled-coil containing 2; plus strand). Cytogenetic location: 17q23.3.
Variant type: single nucleotide variant.
Coding change: c.506G>T on transcript NM_001394998.1 (MANE Select); coding-DNA position 506, G replaced by T.
Protein change: p.Gly169Val; replaces glycine 169 with valine.
Molecular consequence: missense variant.
Genome position (GRCh38, 1-based): chr17:63,194,063, G>T. VCF-style: chr17-63194063-G-T. GRCh37 (hg19) VCF-style: chr17-61271424-G-T.
Other names: c.284G>T, p.Gly95Val (NM_001411076.1, NM_025185.4); short protein forms G169V, G95V.
Identifiers: ClinVar variation 3383509 (VCV003383509.2).

ClinVar aggregate classification (germline): Uncertain significance (1 of 4 stars; one submission).

Submission:

GeneDx
Classification: Uncertain significance. Last evaluated: 2025-07-02. Review status: criteria provided, single submitter. Criteria: GeneDx Variant Classification Process June 2021. Collection method: clinical testing. Allele origin: germline. Affected: yes.
Comment: Not observed at significant frequency in large population cohorts (gnomAD); In silico analysis supports that this missense variant has a deleterious effect on protein structure/function; Has not been previously published as pathogenic or benign to our knowledge